The following is an entry in ClinVar:

NM_001854.4(COL11A1):c.1994A>G (p.Gln665Arg)

Gene: COL11A1 (collagen type XI alpha 1 chain; minus strand). Cytogenetic location: 1p21.1.
Variant type: single nucleotide variant.
Coding change: c.1994A>G on transcript NM_001854.4 (MANE Select); coding-DNA position 1994, A replaced by G.
Protein change: p.Gln665Arg; replaces glutamine 665 with arginine.
Molecular consequence: missense variant. On other transcripts: non-coding transcript variant (1).
Genome position (GRCh38, 1-based): chr1:103,003,219, T>C on the plus strand (A>G on the coding strand, the complement: COL11A1 is on the minus strand). VCF-style: chr1-103003219-T-C. GRCh37 (hg19) VCF-style: chr1-103468775-T-C.
Other names: c.1877A>G, p.Gln626Arg (NM_001190709.2); c.2030A>G, p.Gln677Arg (NM_080629.3); c.1646A>G, p.Gln549Arg (NM_080630.4); short protein forms Q665R, Q549R, Q677R, Q626R.
Identifiers: ClinVar variation 4745949 (VCV004745949.1).

ClinVar aggregate classification (germline): Uncertain significance (1 of 4 stars; one submission).

Submission:

Labcorp Genetics (formerly Invitae), Labcorp
Classification: Uncertain significance. Last evaluated: 2025-12-01. Review status: criteria provided, single submitter. Criteria: Invitae Variant Classification Sherloc (09022015). Collection method: clinical testing. Allele origin: germline.
Comment: This sequence change replaces glutamine, which is neutral and polar, with arginine, which is basic and polar, at codon 665 of the COL11A1 protein (p.Gln665Arg). This variant is not present in population databases (gnomAD no frequency). This variant has not been reported in the literature in individuals affected with COL11A1-related conditions. Invitae Evidence Modeling of protein sequence and biophysical properties (such as structural, functional, and spatial information, amino acid conservation, physicochemical variation, residue mobility, and thermodynamic stability) indicates that this missense variant is not expected to disrupt COL11A1 protein function with a negative predictive value of 80%. In summary, the available evidence is currently insufficient to determine the role of this variant in disease. Therefore, it has been classified as a Variant of Uncertain Significance.